The following is an entry in ClinVar:

NM_017763.6(RNF43):c.572C>A (p.Pro191His)

Gene: RNF43 (ring finger protein 43; minus strand). Cytogenetic location: 17q22.
Variant type: single nucleotide variant.
Coding change: c.572C>A on transcript NM_017763.6 (MANE Select); coding-DNA position 572, C replaced by A.
Protein change: p.Pro191His; replaces proline 191 with histidine.
Molecular consequence: missense variant.
Genome position (GRCh38, 1-based): chr17:58,363,285, G>T on the plus strand (C>A on the coding strand, the complement: RNF43 is on the minus strand). VCF-style: chr17-58363285-G-T. GRCh37 (hg19) VCF-style: chr17-56440646-G-T.
Other names: c.572C>A, p.Pro191His (NM_001305544.3, NM_001438820.1, NM_001438821.1 and 1 more transcripts); c.191C>A, p.Pro64His (NM_001305545.2, NM_001437987.1); short protein forms P191H, P64H.
Identifiers: ClinVar variation 5028323 (VCV005028323.1).
Genomic context (GRCh38, chr17:58,363,285, plus strand): 5'-ACAAAGTAGGGCTAAGTGCAGGGCAAGGTCTGGAGGTCTAGTGTGCTTACCCAGGCCGGG[G>T]GCTCCTTCAGCTCAATCCTCACATGGGCCTTTTGGTTCTTGTACACAAACTCCATCAGCT-3'
Protein context (NP_060233.3, residues 181-201): KAHVRIELKE[Pro191His]PAWPDYDVWI

ClinVar aggregate classification (germline): Uncertain significance (1 of 4 stars; one submission).

Submission:

Ambry Genetics
Classification: Uncertain significance. Last evaluated: 2026-06-25. Review status: criteria provided, single submitter. Criteria: Ambry Variant Classification Scheme 2023. Collection method: clinical testing. Allele origin: germline.
Comment: The p.P191H variant (also known as c.572C>A), located in coding exon 4 of the RNF43 gene, results from a C to A substitution at nucleotide position 572. The proline at codon 191 is replaced by histidine, an amino acid with similar properties. This amino acid position is conserved. In addition, this alteration is predicted to be tolerated by in silico analysis. Based on the available evidence, the clinical significance of this variant remains unclear.